The following is an entry in ClinVar:

NM_016203.4(PRKAG2):c.437G>A (p.Gly146Asp)

Gene: PRKAG2 (protein kinase AMP-activated non-catalytic subunit gamma 2; minus strand). Cytogenetic location: 7q36.1.
Variant type: single nucleotide variant.
Coding change: c.437G>A on transcript NM_016203.4 (MANE Select); coding-DNA position 437, G replaced by A.
Protein change: p.Gly146Asp; replaces glycine 146 with aspartic acid.
Molecular consequence: missense variant. On other transcripts: intron variant (1).
Genome position (GRCh38, 1-based): chr7:151,781,181, C>T on the plus strand (G>A on the coding strand, the complement: PRKAG2 is on the minus strand). VCF-style: chr7-151781181-C-T. GRCh37 (hg19) VCF-style: chr7-151478267-C-T.
Other names: c.305G>A, p.Gly102Asp (NM_001040633.2, NM_001407024.1, NM_001407026.1 and 2 more transcripts); c.437G>A, p.Gly146Asp (NM_001407021.1, NM_001407022.1, NM_001407023.1 and 2 more transcripts); c.148+33235G>A (NM_001407032.1); short protein forms G102D, G146D.
Identifiers: ClinVar variation 4697429 (VCV004697429.1).

ClinVar aggregate classification (germline): Uncertain significance (1 of 4 stars; one submission).

Conditions:
Lethal congenital glycogen storage disease of heart. Also called: GLYCOGEN STORAGE DISEASE OF HEART; PHOSPHORYLASE KINASE DEFICIENCY OF HEART. Identifiers: Orphanet 439854, MedGen C1849813, MONDO:0009867, OMIM 261740.

gnomAD v4.1: 2 of 1,613,908 alleles (0.00012%); highest among the groups gnomAD compares: Non-Finnish European, 0.00017%; no homozygotes.

Submission:

Labcorp Genetics (formerly Invitae), Labcorp
Classification: Uncertain significance for Lethal congenital glycogen storage disease of heart. Last evaluated: 2025-12-24. Review status: criteria provided, single submitter. Criteria: Invitae Variant Classification Sherloc (09022015). Collection method: clinical testing. Allele origin: germline.
Comment: This sequence change replaces glycine, which is neutral and non-polar, with aspartic acid, which is acidic and polar, at codon 146 of the PRKAG2 protein (p.Gly146Asp). This variant is not present in population databases (gnomAD no frequency). This variant has not been reported in the literature in individuals affected with PRKAG2-related conditions. Invitae Evidence Modeling of protein sequence and biophysical properties (such as structural, functional, and spatial information, amino acid conservation, physicochemical variation, residue mobility, and thermodynamic stability) indicates that this missense variant is not expected to disrupt PRKAG2 protein function with a negative predictive value of 95%. In summary, the available evidence is currently insufficient to determine the role of this variant in disease. Therefore, it has been classified as a Variant of Uncertain Significance.